The following is an entry in ClinVar:

NM_005045.4(RELN):c.1907C>T (p.Thr636Ile)

Gene: RELN (reelin; minus strand). Cytogenetic location: 7q22.1.
Variant type: single nucleotide variant.
Coding change: c.1907C>T on transcript NM_005045.4 (MANE Select); coding-DNA position 1907, C replaced by T.
Protein change: p.Thr636Ile; replaces threonine 636 with isoleucine.
Molecular consequence: missense variant.
Genome position (GRCh38, 1-based): chr7:103,650,369, G>A on the plus strand (C>T on the coding strand, the complement: RELN is on the minus strand). VCF-style: chr7-103650369-G-A. GRCh37 (hg19) VCF-style: chr7-103290816-G-A.
Other names: c.1907C>T, p.Thr636Ile (NM_173054.3); short protein forms T636I.
Identifiers: ClinVar variation 3754507 (VCV003754507.2).

ClinVar aggregate classification (germline): Uncertain significance (1 of 4 stars; one submission).

Conditions:
Norman-Roberts syndrome (LIS2). Also called: Lissencephaly 2 (Norman-Roberts type). Identifiers: Orphanet 89844, MedGen C0796089, MONDO:0009760, OMIM 257320.
Familial temporal lobe epilepsy 7. Identifiers: Orphanet 101046, MedGen C4225327, MONDO:0014639, OMIM 616436.

gnomAD v4.1: 1 of 1,610,326 alleles (0.000062%); highest among the groups gnomAD compares: Non-Finnish European, 0.000085%; no homozygotes.

Submission:

Labcorp Genetics (formerly Invitae), Labcorp
Classification: Uncertain significance for Familial temporal lobe epilepsy 7; Norman-Roberts syndrome. Last evaluated: 2024-02-15. Review status: criteria provided, single submitter. Criteria: Invitae Variant Classification Sherloc (09022015). Collection method: clinical testing. Allele origin: germline.
Comment: This sequence change replaces threonine, which is neutral and polar, with isoleucine, which is neutral and non-polar, at codon 636 of the RELN protein (p.Thr636Ile). This variant is not present in population databases (gnomAD no frequency). This variant has not been reported in the literature in individuals affected with RELN-related conditions. Advanced modeling of protein sequence and biophysical properties (such as structural, functional, and spatial information, amino acid conservation, physicochemical variation, residue mobility, and thermodynamic stability) performed at Invitae indicates that this missense variant is not expected to disrupt RELN protein function with a negative predictive value of 80%. In summary, the available evidence is currently insufficient to determine the role of this variant in disease. Therefore, it has been classified as a Variant of Uncertain Significance.